The following is an entry in ClinVar:

ClinVar aggregate classification (germline): Uncertain significance (1 of 4 stars; one submission).

Conditions:
Autosomal recessive limb-girdle muscular dystrophy type 2J (LGMDR10). Also called: Limb-girdle muscular dystrophy, type 2J; MUSCULAR DYSTROPHY, LIMB-GIRDLE, AUTOSOMAL RECESSIVE 10. Identifiers: Orphanet 140922, MedGen C1837342, MONDO:0012127, OMIM 608807.
Dilated cardiomyopathy 1G (CMD1G). Identifiers: Orphanet 154, MedGen C1858763, MONDO:0011400, OMIM 604145.

Allele frequency attached by ClinVar (database versions not stated): TOPMed below 0.00001.

Submission:

Labcorp Genetics (formerly Invitae), Labcorp
Classification: Uncertain significance for Dilated cardiomyopathy 1G; Autosomal recessive limb-girdle muscular dystrophy type 2J. Last evaluated: 2017-07-23. Review status: criteria provided, single submitter. Criteria: Invitae Variant Classification Sherloc (09022015). Collection method: clinical testing. Allele origin: germline.
Comment: This variant identified in the TTN gene is located in the M band of the resulting protein (PMID: 25589632). It is unclear how this variant impacts the function of this protein. In summary, this variant is a novel missense change with unknown impact on protein function. Missense variants in this region of the TTN gene are typically not causative for cardiac disease, but may be relevant for neuromuscular disorders. However, the available evidence is currently insufficient to determine this variant’s role in disease. Therefore, it has been classified as a Variant of Uncertain Significance Algorithms developed to predict the effect of missense changes on protein structure and function are unavailable for the TTN gene. The arginine amino acid residue is found in multiple mammalian species, suggesting that this missense change does not adversely affect protein function. These predictions have not been confirmed by published functional studies and their clinical significance is uncertain. This variant has not been reported in the literature in individuals with TTN-related disease. This variant is not present in population databases (ExAC no frequency). This sequence change replaces lysine with arginine at codon 34242 of the TTN protein (p.Lys34242Arg). There is a small physicochemical difference between lysine and arginine.

Literature cited by the submitters: PubMed 25589632.

NM_001267550.2(TTN):c.102725A>G (p.Lys34242Arg)

Genes: TTN-AS1 (TTN antisense RNA 1; plus strand), TTN (titin; minus strand). Cytogenetic location: 2q31.2.
Variant type: single nucleotide variant.
Coding change: c.102725A>G on transcript NM_001267550.2 (MANE Select); coding-DNA position 102725, A replaced by G.
Protein change: p.Lys34242Arg; replaces lysine 34242 with arginine.
Molecular consequence: missense variant.
Genome position (GRCh38, 1-based): chr2:178,533,890, T>C on the plus strand (A>G on the coding strand, the complement: TTN is on the minus strand). VCF-style: chr2-178533890-T-C. GRCh37 (hg19) VCF-style: chr2-179398617-T-C.
Other names: c.97802A>G, p.Lys32601Arg (NM_001256850.1); c.75530A>G, p.Lys25177Arg (NM_003319.4); c.95021A>G, p.Lys31674Arg (NM_133378.4); c.75905A>G, p.Lys25302Arg (NM_133432.3); c.76106A>G, p.Lys25369Arg (NM_133437.4); short protein forms K34242R, K25302R, K25177R, K25369R, K31674R, K32601R.
Identifiers: ClinVar variation 466706 (VCV000466706.7), dbSNP rs1553493858, ClinGen allele CA349416891.